The following is an entry in ClinVar:

ClinVar aggregate classification (germline): Uncertain significance (1 of 4 stars; one submission).

Submission:

Labcorp Genetics (formerly Invitae), Labcorp
Classification: Uncertain significance. Last evaluated: 2025-09-15. Review status: criteria provided, single submitter. Criteria: Invitae Variant Classification Sherloc (09022015). Collection method: clinical testing. Allele origin: germline.
Comment: This sequence change replaces glutamic acid, which is acidic and polar, with glycine, which is neutral and non-polar, at codon 249 of the STIL protein (p.Glu249Gly). This variant is not present in population databases (gnomAD no frequency). This variant has not been reported in the literature in individuals affected with STIL-related conditions. ClinVar contains an entry for this variant (Variation ID: 2015095). Invitae Evidence Modeling of protein sequence and biophysical properties (such as structural, functional, and spatial information, amino acid conservation, physicochemical variation, residue mobility, and thermodynamic stability) indicates that this missense variant is expected to disrupt STIL protein function with a positive predictive value of 80%. In summary, the available evidence is currently insufficient to determine the role of this variant in disease. Therefore, it has been classified as a Variant of Uncertain Significance.

NM_001048166.1(STIL):c.746A>G (p.Glu249Gly)

Gene: STIL (STIL centriolar assembly protein; minus strand). Cytogenetic location: 1p33.
Variant type: single nucleotide variant.
Coding change: c.746A>G on transcript NM_001048166.1 (MANE Select); coding-DNA position 746, A replaced by G.
Protein change: p.Glu249Gly; replaces glutamic acid 249 with glycine.
Molecular consequence: missense variant.
Genome position (GRCh38, 1-based): chr1:47,295,804, T>C on the plus strand (A>G on the coding strand, the complement: STIL is on the minus strand). VCF-style: chr1-47295804-T-C. GRCh37 (hg19) VCF-style: chr1-47761476-T-C.
Other names: c.746A>G, p.Glu249Gly (NM_001282936.1, NM_001282937.1, NM_003035.2); c.605A>G, p.Glu202Gly (NM_001282938.1, NM_001282939.1, NM_001377417.1); short protein forms E202G, E249G.
Identifiers: ClinVar variation 2015095 (VCV002015095.4), dbSNP rs752495028, ClinGen allele CA340252079.